The following is an entry in ClinVar:

ClinVar aggregate classification (germline): Pathogenic (1 of 4 stars; one submission).

Conditions:
Inborn genetic diseases. Identifiers: MedGen C0950123, MeSH D030342.

Submission:

Ambry Genetics
Classification: Pathogenic for Inborn genetic diseases. Last evaluated: 2016-09-22. Review status: criteria provided, single submitter. Criteria: Ambry Variant Classification Scheme 2023. Collection method: clinical testing. Allele origin: germline.
Comment: The c.372_373dupCA pathogenic mutation, located in coding exon 1 of the PCDH19 gene, results from a duplication of CA at nucleotide position 372, causing a translational frameshift with a predicted alternate stop codon. This alteration is expected to result in loss of function by premature protein truncation or nonsense-mediated mRNA decay. As such, this alteration is interpreted as a disease-causing mutation.

NM_001184880.2(PCDH19):c.372_373dup (p.Asn125fs)

Gene: PCDH19 (protocadherin 19; minus strand). Cytogenetic location: Xq22.1.
Variant type: Duplication.
Coding change: c.372_373dup on transcript NM_001184880.2 (MANE Select); coding-DNA positions 372 to 373, 2 bases duplicated (CA; older notation c.372_373dupCA).
Protein change: p.Asn125fs; shifts the reading frame from asparagine 125.
Molecular consequence: frameshift variant.
Genome position (GRCh38, 1-based): chrX:100,408,225-100,408,226, TG duplicated on the plus strand (CA on the coding strand, the reverse complement: PCDH19 is on the minus strand); duplicating any 2 consecutive bases within chrX:100,408,225-100,408,227 gives the same sequence; the c. name uses the placement nearest the transcript's 3' end. VCF-style (leftmost placement, unchanged base first): chrX-100408224-T-TTG. GRCh37 (hg19) VCF-style: chrX-99663222-T-TTG.
Other names: c.372_373dup, p.Asn125fs (NM_001105243.2, NM_020766.3); c.372_373dupCA (NM_001184880.1); short protein forms N125fs.
Identifiers: ClinVar variation 589933 (VCV000589933.5), dbSNP rs1569315950, ClinGen allele CA891843597.